The following is an entry in ClinVar:

NM_021813.4(BACH2):c.1534C>T (p.Pro512Ser)

Gene: BACH2 (BACH transcriptional regulator 2; minus strand). Cytogenetic location: 6q15.
Variant type: single nucleotide variant.
Coding change: c.1534C>T on transcript NM_021813.4 (MANE Select); coding-DNA position 1534, C replaced by T.
Protein change: p.Pro512Ser; replaces proline 512 with serine.
Molecular consequence: missense variant.
Genome position (GRCh38, 1-based): chr6:89,950,572, G>A on the plus strand (C>T on the coding strand, the complement: BACH2 is on the minus strand). VCF-style: chr6-89950572-G-A. GRCh37 (hg19) VCF-style: chr6-90660291-G-A.
Other names: c.1534C>T, p.Pro512Ser (NM_001170794.2); short protein forms P512S.
Identifiers: ClinVar variation 4778280 (VCV004778280.1).
Genomic context (GRCh38, chr6:89,950,572, plus strand): 5'-CGTCCTCCGCGTAGGAATAGGAAGAGCAGGAGCTGGAAGTCCTGGTCCTGGTCTCCAAGG[G>A]GGGTGAGCGAGGGCAGACTTTGATTGGTACCGGGCAGCTGGTGTTGGGCCGCATCCTTCC-3'
Protein context (NP_068585.1, residues 502-522): VPIKVCPRSP[Pro512Ser]LETRTRTSSS

ClinVar aggregate classification (germline): Uncertain significance (1 of 4 stars; one submission).

gnomAD v4.1: 5 of 1,611,624 alleles (0.00031%); highest among the groups gnomAD compares: South Asian, 0.0011%; no homozygotes.

Submission:

Labcorp Genetics (formerly Invitae), Labcorp
Classification: Uncertain significance. Last evaluated: 2025-02-15. Review status: criteria provided, single submitter. Criteria: Invitae Variant Classification Sherloc (09022015). Collection method: clinical testing. Allele origin: germline.
Comment: This sequence change replaces proline, which is neutral and non-polar, with serine, which is neutral and polar, at codon 512 of the BACH2 protein (p.Pro512Ser). This variant is present in population databases (rs759035058, gnomAD 0.003%). This variant has not been reported in the literature in individuals affected with BACH2-related conditions. Invitae Evidence Modeling of protein sequence and biophysical properties (such as structural, functional, and spatial information, amino acid conservation, physicochemical variation, residue mobility, and thermodynamic stability) indicates that this missense variant is not expected to disrupt BACH2 protein function with a negative predictive value of 80%. In summary, the available evidence is currently insufficient to determine the role of this variant in disease. Therefore, it has been classified as a Variant of Uncertain Significance.